The following is an entry in ClinVar:

ClinVar aggregate classification (germline): Uncertain significance (1 of 4 stars; one submission).

gnomAD v4.1: 16 of 1,612,086 alleles (0.00099%); highest among the groups gnomAD compares: East Asian, 0.031%; no homozygotes.

Submission:

Mayo Clinic Laboratories, Mayo Clinic
Classification: Uncertain significance. Last evaluated: 2025-06-10. Review status: criteria provided, single submitter. Criteria: ACMG Guidelines, 2015. Collection method: clinical testing. Allele origin: germline. Observed: 1 variant allele.
Comment: PM2_supporting

NM_001114134.2(EPB42):c.10+1G>A

Gene: EPB42 (erythrocyte membrane protein band 4.2; minus strand). Cytogenetic location: 15q15.2.
Variant type: single nucleotide variant.
Coding change: c.10+1G>A on transcript NM_001114134.2 (MANE Select); the canonical splice donor site of the intron after coding-DNA position 10, G replaced by A.
Molecular consequence: splice donor variant. On other transcripts: missense variant (1).
Genome position (GRCh38, 1-based): chr15:43,220,815, C>T on the plus strand (G>A on the coding strand, the complement: EPB42 is on the minus strand). VCF-style: chr15-43220815-C-T. GRCh37 (hg19) VCF-style: chr15-43513013-C-T.
Other names: p.Gly4Asp; c.11G>A, p.Gly4Asp (NM_000119.3); short protein forms G4D.
Identifiers: ClinVar variation 4541932 (VCV004541932.1).
Genomic context (GRCh38, chr15:43,220,815, plus strand): 5'-GGTGATGCTGCGGGGGCTGCATACAGTCCAGCAAGCCCTGTCGAGCGCTGGCTTGGCTCA[C>T]CCTGTCCCATGGTTGCAGGCCGCTCCTCTTATCCACTTGGCCGCAGAAAGCGCCTCTCTC-3'